The following is an entry in ClinVar:

ClinVar aggregate classification (germline): Uncertain significance (1 of 4 stars; one submission).

gnomAD v4.1: 5 of 1,613,506 alleles (0.00031%); highest among the groups gnomAD compares: Non-Finnish European, 0.00042%; no homozygotes.

Submission:

Mayo Clinic Laboratories, Mayo Clinic
Classification: Uncertain significance. Last evaluated: 2025-08-15. Review status: criteria provided, single submitter. Criteria: ACMG Guidelines, 2015. Collection method: clinical testing. Allele origin: germline. Observed: 2 variant alleles.
Comment: BP4, PM2_supporting

NM_001365276.2(TNXB):c.11497G>C (p.Glu3833Gln)

Genes: TNXB (tenascin XB; minus strand), LOC106780803 (tenascin XB recombination region; plus strand). Cytogenetic location: 6p21.33.
Variant type: single nucleotide variant.
Coding change: c.11497G>C on transcript NM_001365276.2 (MANE Select); coding-DNA position 11497, G replaced by C.
Protein change: p.Glu3833Gln; replaces glutamic acid 3833 with glutamine.
Molecular consequence: missense variant.
Genome position (GRCh38, 1-based): chr6:32,043,782, C>G on the plus strand (G>C on the coding strand, the complement: TNXB is on the minus strand). VCF-style: chr6-32043782-C-G. GRCh37 (hg19) VCF-style: chr6-32011559-C-G.
Other names: p.Glu3831Gln; c.12238G>C, p.Glu4080Gln (NM_001428335.1); c.11491G>C, p.Glu3831Gln (NM_019105.8); c.784G>C, p.Glu262Gln (NM_032470.4); short protein forms E3833Q, E4080Q, E3831Q, E262Q.
Identifiers: ClinVar variation 4541120 (VCV004541120.1).